The following is an entry in ClinVar:

NM_001042545.2(LTBP4):c.2968T>C (p.Ser990Pro)

Gene: LTBP4 (latent transforming growth factor beta binding protein 4; plus strand). Cytogenetic location: 19q13.2.
Variant type: single nucleotide variant.
Coding change: c.2968T>C on transcript NM_001042545.2 (MANE Select); coding-DNA position 2968, T replaced by C.
Protein change: p.Ser990Pro; replaces serine 990 with proline.
Molecular consequence: missense variant.
Genome position (GRCh38, 1-based): chr19:40,617,123, T>C. VCF-style: chr19-40617123-T-C. GRCh37 (hg19) VCF-style: chr19-41123029-T-C.
Other names: c.3169T>C, p.Ser1057Pro (NM_001042544.1); c.3058T>C, p.Ser1020Pro (NM_003573.2); short protein forms S1020P, S990P, S1057P.
Identifiers: ClinVar variation 1400610 (VCV001400610.3), dbSNP rs766055996, ClinGen allele CA405940433.

ClinVar aggregate classification (germline): Uncertain significance (1 of 4 stars; one submission).

Allele frequency attached by ClinVar (database versions not stated): gnomAD exomes below 0.00001.
gnomAD v4.1: 26 of 1,613,932 alleles (0.0016%); highest among the groups gnomAD compares: Non-Finnish European, 0.002%; no homozygotes.

Submission:

Labcorp Genetics (formerly Invitae), Labcorp
Classification: Uncertain significance. Last evaluated: 2021-11-26. Review status: criteria provided, single submitter. Criteria: Invitae Variant Classification Sherloc (09022015). Collection method: clinical testing. Allele origin: germline.
Comment: This sequence change replaces serine, which is neutral and polar, with proline, which is neutral and non-polar, at codon 1020 of the LTBP4 protein (p.Ser1020Pro). This variant is present in population databases (no rsID available, gnomAD 0.0009%). This variant has not been reported in the literature in individuals affected with LTBP4-related conditions. Experimental studies and prediction algorithms are not available or were not evaluated, and the functional significance of this variant is currently unknown. In summary, the available evidence is currently insufficient to determine the role of this variant in disease. Therefore, it has been classified as a Variant of Uncertain Significance.